The following is an entry in ClinVar:

ClinVar aggregate classification (germline): Benign/Likely benign. Review status: criteria provided, multiple submitters, no conflicts (2 of 4 stars). 2 submissions from 2 submitters: Benign (1); Likely benign (1). Last evaluated 2026-01-21.

Conditions:
UNC13D-related disorder. Also called: UNC13D-related condition.
Familial hemophagocytic lymphohistiocytosis 3 (FHL3). Also called: UNC13D-Related Familial Hemophagocytic Lymphohistiocytosis (UNC13D-fHLH). Identifiers: Orphanet 540, MedGen C1837174, MONDO:0012146, OMIM 608898.

Allele frequency attached by ClinVar (database versions not stated): TOPMed 0.00025; ESP Exome Variant Server 0.00031; 1000 Genomes Project 30x 0.00062; gnomAD exomes 0.00065 and 0.00139; 1000 Genomes Project 0.00080; gnomAD 0.00112 and 0.00115; ExAC 0.00120.
gnomAD v4.1: 1,106 of 1,612,936 alleles (0.069%); highest among the groups gnomAD compares: Non-Finnish European, 0.034%; 5 homozygotes.

Submissions (2):

Labcorp Genetics (formerly Invitae), Labcorp
Classification: Benign for Familial hemophagocytic lymphohistiocytosis 3. Last evaluated: 2026-01-21. Review status: criteria provided, single submitter. Criteria: Invitae Variant Classification Sherloc (09022015). Collection method: clinical testing. Allele origin: germline.

PreventionGenetics, part of Exact Sciences
Classification: Likely benign for UNC13D-related condition. Last evaluated: 2025-11-06. Review status: criteria provided, single submitter. Criteria: ACMG Guidelines, 2015. Collection method: clinical testing. Allele origin: germline.
Comment: This variant is classified as likely benign based on ACMG/AMP sequence variant interpretation guidelines (Richards et al. 2015 PMID: 25741868, with internal and published modifications).

NM_199242.3(UNC13D):c.547G>A (p.Val183Ile)

Gene: UNC13D (unc-13 homolog D; minus strand). Cytogenetic location: 17q25.1.
Variant type: single nucleotide variant.
Coding change: c.547G>A on transcript NM_199242.3 (MANE Select); coding-DNA position 547, G replaced by A.
Protein change: p.Val183Ile; replaces valine 183 with isoleucine.
Molecular consequence: missense variant.
Genome position (GRCh38, 1-based): chr17:75,842,455, C>T on the plus strand (G>A on the coding strand, the complement: UNC13D is on the minus strand). VCF-style: chr17-75842455-C-T. GRCh37 (hg19) VCF-style: chr17-73838536-C-T.
Other names: c.547G>A (NM_199242.2); short protein forms V183I.
Identifiers: ClinVar variation 1600732 (VCV001600732.9), dbSNP rs141692294, ClinGen allele CA8773445.